The following is an entry in ClinVar:

NM_015662.3(IFT172):c.135A>T (p.Glu45Asp)

Gene: IFT172 (intraflagellar transport 172; minus strand). Cytogenetic location: 2p23.3.
Variant type: single nucleotide variant.
Coding change: c.135A>T on transcript NM_015662.3 (MANE Select); coding-DNA position 135, A replaced by T.
Protein change: p.Glu45Asp; replaces glutamic acid 45 with aspartic acid.
Molecular consequence: missense variant.
Genome position (GRCh38, 1-based): chr2:27,485,408, T>A on the plus strand (A>T on the coding strand, the complement: IFT172 is on the minus strand). VCF-style: chr2-27485408-T-A. GRCh37 (hg19) VCF-style: chr2-27708275-T-A.
Other names: c.135A>T (NM_015662.2); short protein forms E45D.
Identifiers: ClinVar variation 1022104 (VCV001022104.9), dbSNP rs1350745027, ClinGen allele CA346403220.

ClinVar aggregate classification (germline): Uncertain significance. Review status: criteria provided, multiple submitters, no conflicts (2 of 4 stars). 4 submissions from 4 submitters: Uncertain significance (3). 1 of the submissions does not count toward it. Last evaluated 2026-04-28.

Conditions:
Retinal dystrophy. Also called: Inherited retinal dystrophy. Identifiers: Orphanet 71862, MedGen C0854723, MeSH D058499, MONDO:0019118, HP:0000556.
Retinitis pigmentosa 71 (RP71). Identifiers: Orphanet 791, MedGen C4225342, MONDO:0014618, OMIM 616394.
Short-rib thoracic dysplasia 10 with or without polydactyly (SRTD10). Identifiers: Orphanet 474, MedGen C3810175, MONDO:0014284, OMIM 615630.
Bardet-Biedl syndrome 20. Identifiers: MedGen C4310707, MONDO:0023670, OMIM 619471, MONDO:0014926.
IFT172-related disorder. Also called: IFT172-related condition; IFT172-related disorders.

Allele frequency attached by ClinVar (database versions not stated): TOPMed below 0.00001; gnomAD 0.00001 and 0.00002; gnomAD exomes 0.00002.
gnomAD v4.1: 29 of 1,614,082 alleles (0.0018%); highest among the groups gnomAD compares: African/African-American, 0.004%; no homozygotes.

Submissions (4):

PreventionGenetics, part of Exact Sciences
Classification: Uncertain significance for IFT172-related condition. Last evaluated: 2026-04-28. Review status: criteria provided, single submitter. Criteria: ACMG Guidelines, 2015. Collection method: clinical testing. Allele origin: germline.
Comment: The IFT172 c.135A>T variant is predicted to result in the amino acid substitution p.Glu45Asp. To our knowledge, this variant has not been reported in the literature. This variant is reported in 0.0035% of alleles in individuals of European (Non-Finnish) descent in gnomAD. At this time, the clinical significance of this variant is uncertain due to the absence of conclusive functional and genetic evidence.

Fulgent Genetics
Classification: Uncertain significance for Short-rib thoracic dysplasia 10 with or without polydactyly; Retinitis pigmentosa 71; Bardet-Biedl syndrome 20. Last evaluated: 2024-05-12. Review status: criteria provided, single submitter. Criteria: ACMG Guidelines, 2015. Collection method: clinical testing. Allele origin: germline.

Labcorp Genetics (formerly Invitae), Labcorp
Classification: Uncertain significance for Retinitis pigmentosa 71; Short-rib thoracic dysplasia 10 with or without polydactyly. Last evaluated: 2022-06-22. Review status: criteria provided, single submitter. Criteria: Invitae Variant Classification Sherloc (09022015). Collection method: clinical testing. Allele origin: germline.
Comment: This sequence change replaces glutamic acid, which is acidic and polar, with aspartic acid, which is acidic and polar, at codon 45 of the IFT172 protein (p.Glu45Asp). This variant is present in population databases (no rsID available, gnomAD 0.003%). This variant has not been reported in the literature in individuals affected with IFT172-related conditions. ClinVar contains an entry for this variant (Variation ID: 1022104). Algorithms developed to predict the effect of missense changes on protein structure and function (SIFT, PolyPhen-2, Align-GVGD) all suggest that this variant is likely to be tolerated. In summary, the available evidence is currently insufficient to determine the role of this variant in disease. Therefore, it has been classified as a Variant of Uncertain Significance.

Institute of Human Genetics, Univ. Regensburg, Univ. Regensburg
Classification: Uncertain significance for Retinal dystrophy. Last evaluated: 2020-01-01. Review status: no assertion criteria provided. Criteria: ACMG Guidelines, 2015. Collection method: clinical testing. Allele origin: germline. Affected: yes. Not counted in ClinVar's aggregate classification.